The following is an entry in ClinVar:

NM_002335.4(LRP5):c.164C>T (p.Ser55Phe)

Gene: LRP5 (LDL receptor related protein 5; plus strand). Cytogenetic location: 11q13.2.
Variant type: single nucleotide variant.
Coding change: c.164C>T on transcript NM_002335.4 (MANE Select); coding-DNA position 164, C replaced by T.
Protein change: p.Ser55Phe; replaces serine 55 with phenylalanine.
Molecular consequence: missense variant. On other transcripts: 5 prime UTR variant (1).
Genome position (GRCh38, 1-based): chr11:68,347,919, C>T. VCF-style: chr11-68347919-C-T. GRCh37 (hg19) VCF-style: chr11-68115387-C-T.
Other names: c.-1602C>T (NM_001291902.2); c.164C>T (NM_002335.3, NM_002335.2); short protein forms S55F.
Identifiers: ClinVar variation 1041160 (VCV001041160.16), dbSNP rs148462220, ClinGen allele CA6148925.

ClinVar aggregate classification (germline): Uncertain significance. Review status: criteria provided, multiple submitters, no conflicts (2 of 4 stars). 7 submissions from 7 submitters: Uncertain significance (7). Last evaluated 2026-07-31.

Conditions:
LRP5-related disorder. Also called: LRP5-related condition.
Osteoporosis with pseudoglioma (OPPG). Also called: osteoporosis-pseudoglioma syndrome. Identifiers: Orphanet 2788, MedGen C0432252, MONDO:0009820, OMIM 259770.
Exudative vitreoretinopathy 1 (EVR1). Also called: CRISWICK-SCHEPENS SYNDROME; FEVR, AUTOSOMAL DOMINANT; Familial exudative vitreoretinopathy, autosomal dominant. Identifiers: Orphanet 891, Orphanet 90050, MedGen C1851402, MONDO:0007589, OMIM 133780.
Polycystic liver disease 4 with or without kidney cysts. Identifiers: MedGen C4693479, MONDO:0044327, OMIM 617875.
Autosomal dominant osteopetrosis 1 (OPTA1). Also called: OSTEOPETROSIS, AUTOSOMAL DOMINANT, TYPE I. Identifiers: Orphanet 2783, MedGen C1843330, MONDO:0011877, OMIM 607634.
Exudative vitreoretinopathy 4 (EVR4). Identifiers: Orphanet 891, MedGen C1866176, MONDO:0011151, OMIM 601813.
Worth disease. Also called: Autosomal dominant osteosclerosis, Worth type; ENDOSTEAL HYPEROSTOSIS, AUTOSOMAL DOMINANT; OSTEOSCLEROSIS, AUTOSOMAL DOMINANT. Identifiers: Orphanet 2790, MedGen C0432273, MONDO:0007764, OMIM 144750.
Bone mineral density quantitative trait locus 1 (BMND1). Identifiers: MedGen C1866079, OMIM 601884.
Osteoporosis. Identifiers: MedGen C0029456, MONDO:0005298, OMIM 166710, HP:0000939.
Inborn genetic diseases. Identifiers: MedGen C0950123, MeSH D030342.

Allele frequency attached by ClinVar (database versions not stated): TOPMed 0.00007; ESP Exome Variant Server 0.00008; gnomAD 0.00010 and 0.00011; ExAC 0.00011; gnomAD exomes 0.00014 and 0.00020.
gnomAD v4.1: 296 of 1,613,546 alleles (0.018%); highest among the groups gnomAD compares: Admixed American, 0.027%; no homozygotes.

Submissions (7):

GeneDx
Classification: Uncertain significance. Last evaluated: 2026-07-31. Review status: criteria provided, single submitter. Criteria: GeneDx Variant Classification Process June 2021. Collection method: clinical testing. Allele origin: germline.
Comment: In silico analysis indicates that this missense variant does not alter protein structure/function; Has not been previously published as pathogenic or benign to our knowledge

PreventionGenetics, part of Exact Sciences
Classification: Uncertain significance for LRP5-related condition. Last evaluated: 2026-04-24. Review status: criteria provided, single submitter. Criteria: ACMG Guidelines, 2015. Collection method: clinical testing. Allele origin: germline.
Comment: The LRP5 c.164C>T variant is predicted to result in the amino acid substitution p.Ser55Phe. To our knowledge, this variant has not been reported in the literature. This variant is reported in 0.034% of alleles in individuals of Latino descent in gnomAD. At this time, the clinical significance of this variant is uncertain due to the absence of conclusive functional and genetic evidence.

Labcorp Genetics (formerly Invitae), Labcorp
Classification: Uncertain significance. Last evaluated: 2026-02-01. Review status: criteria provided, single submitter. Criteria: Invitae Variant Classification Sherloc (09022015). Collection method: clinical testing. Allele origin: germline.
Comment: This sequence change replaces serine, which is neutral and polar, with phenylalanine, which is neutral and non-polar, at codon 55 of the LRP5 protein (p.Ser55Phe). This variant is present in population databases (rs148462220, gnomAD 0.03%). This variant has not been reported in the literature in individuals affected with LRP5-related conditions. ClinVar contains an entry for this variant (Variation ID: 1041160). Invitae Evidence Modeling of protein sequence and biophysical properties (such as structural, functional, and spatial information, amino acid conservation, physicochemical variation, residue mobility, and thermodynamic stability) has been performed for this missense variant. However, the output from this modeling did not meet the statistical confidence thresholds required to predict the impact of this variant on LRP5 protein function. In summary, the available evidence is currently insufficient to determine the role of this variant in disease. Therefore, it has been classified as a Variant of Uncertain Significance.

ARUP Laboratories, Molecular Genetics and Genomics, ARUP Laboratories
Classification: Uncertain significance. Last evaluated: 2024-08-14. Review status: criteria provided, single submitter. Criteria: ARUP Molecular Germline Variant Investigation Process 2024. Collection method: clinical testing. Allele origin: germline.
Comment: The LRP5 c.164C>T; p.Ser55Phe variant (rs148462220), to our knowledge, is not reported in the medical literature but is reported in ClinVar (Variation ID: 1041160). This variant is observed in the general population with an overall allele frequency of 0.01% (39/281868 alleles) in the Genome Aggregation Database (v2.1.1). Computational analyses are uncertain whether this variant is neutral or deleterious (REVEL: 0.559). Due to limited information, the clinical significance of this variant is uncertain at this time.

Blueprint Genetics
Classification: Uncertain significance. Last evaluated: 2024-04-09. Review status: criteria provided, single submitter. Criteria: ACMG Guidelines, 2015. Collection method: clinical testing. Allele origin: germline.

Fulgent Genetics
Classification: Uncertain significance for Exudative vitreoretinopathy 1; Worth disease; Osteoporosis; Osteoporosis with pseudoglioma; Exudative vitreoretinopathy 4; Bone mineral density quantitative trait locus 1; Autosomal dominant osteopetrosis 1; Polycystic liver disease 4 with or without kidney cysts. Last evaluated: 2021-12-05. Review status: criteria provided, single submitter. Criteria: ACMG Guidelines, 2015. Collection method: clinical testing. Allele origin: unknown.

Ambry Genetics
Classification: Uncertain significance for Inborn genetic diseases. Last evaluated: 2021-09-16. Review status: criteria provided, single submitter. Criteria: Ambry Variant Classification Scheme 2023. Collection method: clinical testing. Allele origin: germline.